The following is an entry in ClinVar:

NM_001267550.2(TTN):c.50076C>T (p.Asp16692=)

Genes: TTN (titin; minus strand), TTN-AS1 (TTN antisense RNA 1; plus strand). Cytogenetic location: 2q31.2.
Variant type: single nucleotide variant.
Coding change: c.50076C>T on transcript NM_001267550.2 (MANE Select); coding-DNA position 50076, C replaced by T.
Protein change: p.Asp16692=; no amino-acid change (aspartic acid 16692 retained).
Molecular consequence: synonymous variant.
Genome position (GRCh38, 1-based): chr2:178,612,449, G>A on the plus strand (C>T on the coding strand, the complement: TTN is on the minus strand). VCF-style: chr2-178612449-G-A. GRCh37 (hg19) VCF-style: chr2-179477176-G-A.
Other names: c.42372C>T, p.Asp14124= (NM_133378.4); c.45153C>T, p.Asp15051= (NM_001256850.1); c.22881C>T, p.Asp7627= (NM_003319.4); c.23256C>T, p.Asp7752= (NM_133432.3); c.23457C>T, p.Asp7819= (NM_133437.4).
Identifiers: ClinVar variation 47039 (VCV000047039.29), dbSNP rs397517598, ClinGen allele CA139828.

ClinVar aggregate classification (germline): Likely benign. Review status: criteria provided, multiple submitters, no conflicts (2 of 4 stars). 8 submissions from 8 submitters: Likely benign (7). 1 of the submissions does not count toward it. Last evaluated 2026-06-01.

Conditions:
TTN-related disorder. Also called: TTN-related condition; TTN-related disease; TTN-related disorders.
Cardiovascular phenotype. Identifiers: MedGen CN230736.
Dilated cardiomyopathy 1G (CMD1G). Identifiers: Orphanet 154, MedGen C1858763, MONDO:0011400, OMIM 604145.
Autosomal recessive limb-girdle muscular dystrophy type 2J (LGMDR10). Also called: Limb-girdle muscular dystrophy, type 2J; MUSCULAR DYSTROPHY, LIMB-GIRDLE, AUTOSOMAL RECESSIVE 10. Identifiers: Orphanet 140922, MedGen C1837342, MONDO:0012127, OMIM 608807.
Myopathy, myofibrillar, 9, with early respiratory failure (MFM9). Also called: Hereditary myopathy with early respiratory failure; Myopathy, distal, with early respiratory failure, autosomal dominant; EDSTROM MYOPATHY; MYOPATHY, PROXIMAL, WITH EARLY RESPIRATORY MUSCLE INVOLVEMENT. Identifiers: Orphanet 178464, Orphanet 34521, MedGen C1863599, MONDO:0011362, OMIM 603689.
Tibial muscular dystrophy (TMD). Also called: Udd Distal Myopathy – Tibial Muscular Dystrophy; Tibial muscular dystrophy, tardive; UDD MYOPATHY. Identifiers: Orphanet 609, MedGen C1838244, MONDO:0010870, OMIM 600334.
Early-onset myopathy with fatal cardiomyopathy (CMYO5). Also called: Salih Myopathy; CONGENITAL MYOPATHY 5 WITH CARDIOMYOPATHY. Identifiers: Orphanet 289377, MedGen C2673677, MONDO:0012714, OMIM 611705. Disease mechanism: loss of function.
Hypertrophic cardiomyopathy 9. Also called: Familial hypertrophic cardiomyopathy 9. Identifiers: MedGen C1861065, MONDO:0013412, OMIM 613765.

Allele frequency attached by ClinVar (database versions not stated): gnomAD 0.00001; TOPMed 0.00003; gnomAD exomes 0.00004 and 0.00015; ExAC 0.00011.
gnomAD v4.1: 54 of 1,612,272 alleles (0.0033%); highest among the groups gnomAD compares: Admixed American, 0.065%; no homozygotes.

Submissions (8):

CeGaT Center for Human Genetics Tuebingen
Classification: Likely benign. Last evaluated: 2026-06-01. Review status: criteria provided, single submitter. Criteria: CeGaT Center For Human Genetics Tuebingen Variant Classification Criteria Version 2. Collection method: clinical testing. Allele origin: germline. Affected: yes. Observed: 2 variant alleles.
Comment: TTN: BP4, BP7

Labcorp Genetics (formerly Invitae), Labcorp
Classification: Likely benign for Dilated cardiomyopathy 1G; Autosomal recessive limb-girdle muscular dystrophy type 2J. Last evaluated: 2026-01-11. Review status: criteria provided, single submitter. Criteria: Invitae Variant Classification Sherloc (09022015). Collection method: clinical testing. Allele origin: germline.

Blueprint Genetics
Classification: Likely benign. Last evaluated: 2024-10-03. Review status: criteria provided, single submitter. Criteria: ACMG Guidelines, 2015. Collection method: clinical testing. Allele origin: germline.

Ambry Genetics
Classification: Likely benign for Cardiovascular phenotype. Last evaluated: 2023-02-16. Review status: criteria provided, single submitter. Criteria: Ambry Variant Classification Scheme 2023. Collection method: clinical testing. Allele origin: germline.

Fulgent Genetics
Classification: Likely benign for Tibial muscular dystrophy; Myopathy, myofibrillar, 9, with early respiratory failure; Dilated cardiomyopathy 1G; Autosomal recessive limb-girdle muscular dystrophy type 2J; Early-onset myopathy with fatal cardiomyopathy; Hypertrophic cardiomyopathy 9. Last evaluated: 2021-07-26. Review status: criteria provided, single submitter. Criteria: ACMG Guidelines, 2015. Collection method: clinical testing. Allele origin: unknown.

Genetic Services Laboratory, University of Chicago
Classification: Likely benign. Last evaluated: 2016-08-02. Review status: criteria provided, single submitter. Criteria: ACMG Guidelines, 2015. Collection method: clinical testing. Allele origin: germline. Affected: no.

Laboratory for Molecular Medicine, Mass General Brigham Personalized Medicine
Classification: Likely benign. Last evaluated: 2012-03-20. Review status: criteria provided, single submitter. Criteria: LMM Criteria. Collection method: clinical testing. Allele origin: germline. Observed: 3 variant alleles.
Comment: Asp14124Asp in exon 215 of TTN: This variant is not expected to have clinical si gnificance because it does not alter an amino acid residue and is not located wi thin the splice consensus sequence. Asp14124Asp in exon 215 of TTN (allele fre quency = n/a)

PreventionGenetics, part of Exact Sciences
Classification: Likely benign for TTN-related condition. Last evaluated: 2023-10-17. Review status: no assertion criteria provided. Collection method: clinical testing. Allele origin: germline. Not counted in ClinVar's aggregate classification.
Comment: This variant is classified as likely benign based on ACMG/AMP sequence variant interpretation guidelines (Richards et al. 2015 PMID: 25741868, with internal and published modifications).